The following is an entry in ClinVar:

ClinVar aggregate classification (germline): Uncertain significance (1 of 4 stars; one submission).

Conditions:
Dilated cardiomyopathy 2B. Identifiers: Orphanet 154, MedGen C3553409, MONDO:0013848, OMIM 614672.

Submission:

Labcorp Genetics (formerly Invitae), Labcorp
Classification: Uncertain significance for Dilated cardiomyopathy 2B. Last evaluated: 2021-05-30. Review status: criteria provided, single submitter. Criteria: Invitae Variant Classification Sherloc (09022015). Collection method: clinical testing. Allele origin: germline.
Comment: In summary, the available evidence is currently insufficient to determine the role of this variant in disease. Therefore, it has been classified as a Variant of Uncertain Significance. Algorithms developed to predict the effect of missense changes on protein structure and function are either unavailable or do not agree on the potential impact of this missense change (SIFT: "Deleterious"; PolyPhen-2: "Probably Damaging"; Align-GVGD: "Class C0"). This variant has not been reported in the literature in individuals with GATAD1-related conditions. This variant is not present in population databases (ExAC no frequency). This sequence change replaces proline with histidine at codon 130 of the GATAD1 protein (p.Pro130His). The proline residue is highly conserved and there is a moderate physicochemical difference between proline and histidine.

NM_021167.5(GATAD1):c.389C>A (p.Pro130His)

Gene: GATAD1 (GATA zinc finger domain containing 1; plus strand). Cytogenetic location: 7q21.2.
Variant type: single nucleotide variant.
Coding change: c.389C>A on transcript NM_021167.5 (MANE Select); coding-DNA position 389, C replaced by A.
Protein change: p.Pro130His; replaces proline 130 with histidine.
Molecular consequence: missense variant. On other transcripts: non-coding transcript variant (1).
Genome position (GRCh38, 1-based): chr7:92,450,714, C>A. VCF-style: chr7-92450714-C-A. GRCh37 (hg19) VCF-style: chr7-92080028-C-A.
Other names: short protein forms P130H.
Identifiers: ClinVar variation 1494990 (VCV001494990.8), dbSNP rs1789390751, ClinGen allele CA368158013.